The following is an entry in ClinVar:

ClinVar aggregate classification (germline): Conflicting classifications of pathogenicity. Review status: criteria provided, conflicting classifications (1 of 4 stars). 4 submissions from 4 submitters: Uncertain significance (1); Likely benign (1). 2 of the submissions do not count toward it. Last evaluated 2025-06-09.

Allele frequency attached by ClinVar (database versions not stated): TOPMed below 0.00001; gnomAD exomes 0.00001; ExAC 0.00002; gnomAD 0.00002.
gnomAD v4.1: 27 of 1,614,020 alleles (0.0017%); highest among the groups gnomAD compares: Middle Eastern, 0.033%; no homozygotes.

Submissions (4):

Labcorp Genetics (formerly Invitae), Labcorp
Classification: Uncertain significance. Last evaluated: 2025-06-09. Review status: criteria provided, single submitter. Criteria: Invitae Variant Classification Sherloc (09022015). Collection method: clinical testing. Allele origin: germline.
Comment: This sequence change replaces arginine, which is basic and polar, with histidine, which is basic and polar, at codon 3473 of the KMT2A protein (p.Arg3473His). This variant is present in population databases (rs782670360, gnomAD 0.003%). This variant has not been reported in the literature in individuals affected with KMT2A-related conditions. ClinVar contains an entry for this variant (Variation ID: 1328300). Invitae Evidence Modeling of protein sequence and biophysical properties (such as structural, functional, and spatial information, amino acid conservation, physicochemical variation, residue mobility, and thermodynamic stability) indicates that this missense variant is not expected to disrupt KMT2A protein function with a negative predictive value of 95%. In summary, the available evidence is currently insufficient to determine the role of this variant in disease. Therefore, it has been classified as a Variant of Uncertain Significance.

CeGaT Center for Human Genetics Tuebingen
Classification: Likely benign. Last evaluated: 2023-08-01. Review status: criteria provided, single submitter. Criteria: CeGaT Center For Human Genetics Tuebingen Variant Classification Criteria Version 2. Collection method: clinical testing. Allele origin: germline. Affected: yes. Observed: 1 variant allele.
Comment: KMT2A: BP4

Clinical Genetics DNA and cytogenetics Diagnostics Lab, Erasmus MC, Erasmus Medical Center
Classification: Likely benign. Review status: no assertion criteria provided. Collection method: clinical testing. Allele origin: germline. Affected: yes. Study: VKGL Data-share Consensus. Not counted in ClinVar's aggregate classification.

Laboratory of Diagnostic Genome Analysis, Leiden University Medical Center (LUMC)
Classification: Likely benign. Review status: no assertion criteria provided. Collection method: clinical testing. Allele origin: germline. Affected: yes. Study: VKGL Data-share Consensus. Not counted in ClinVar's aggregate classification.

NM_001197104.2(KMT2A):c.10418G>A (p.Arg3473His)

Gene: KMT2A (lysine methyltransferase 2A; plus strand). Cytogenetic location: 11q23.3.
Variant type: single nucleotide variant.
Coding change: c.10418G>A on transcript NM_001197104.2 (MANE Select); coding-DNA position 10418, G replaced by A.
Protein change: p.Arg3473His; replaces arginine 3473 with histidine.
Molecular consequence: missense variant.
Genome position (GRCh38, 1-based): chr11:118,506,310, G>A. VCF-style: chr11-118506310-G-A. GRCh37 (hg19) VCF-style: chr11-118377025-G-A.
Other names: c.10409G>A, p.Arg3470His (NM_005933.4); short protein forms R3470H, R3473H.
Identifiers: ClinVar variation 1328300 (VCV001328300.33), dbSNP rs782670360, ClinGen allele CA6304745.